The following is an entry in ClinVar:

NM_201384.3(PLEC):c.3501C>T (p.His1167=)

Gene: PLEC (plectin; minus strand). Cytogenetic location: 8q24.3.
Variant type: single nucleotide variant.
Coding change: c.3501C>T on transcript NM_201384.3 (MANE Select); coding-DNA position 3501, C replaced by T.
Protein change: p.His1167=; no amino-acid change (histidine 1167 retained).
Molecular consequence: synonymous variant.
Genome position (GRCh38, 1-based): chr8:143,927,665, G>A on the plus strand (C>T on the coding strand, the complement: PLEC is on the minus strand). VCF-style: chr8-143927665-G-A. GRCh37 (hg19) VCF-style: chr8-145001833-G-A.
Other names: c.3582C>T, p.His1194= (NM_000445.5); c.3459C>T, p.His1153= (NM_201378.4); c.3435C>T, p.His1145= (NM_201379.3); c.3912C>T, p.His1304= (NM_201380.4); c.3405C>T, p.His1135= (NM_201381.3); c.3501C>T, p.His1167= (NM_201382.4); c.3513C>T, p.His1171= (NM_201383.3).
Identifiers: ClinVar variation 586331 (VCV000586331.16), dbSNP rs782038506, ClinGen allele CA4927039.
Genomic context (GRCh38, chr8:143,927,665, plus strand): 5'-GCGCTCAAGCAACTGGGCGACCCGCTCCCGCCAGCGCTCCACCTCCACGTCCCGCTCCCC[G>A]TGCCGCTGCTGCAGTCGCTCCCCCACCTCCTGTGCCCCCCGCAGCTCATCCCGCAGGGCG-3'
Protein context (NP_958786.1, residues 1157-1177): QEVGERLQQR[His1167=]GERDVEVERW

ClinVar aggregate classification (germline): Conflicting classifications of pathogenicity. Review status: criteria provided, conflicting classifications (1 of 4 stars). 4 submissions from 4 submitters: Uncertain significance (1); Benign (2); Likely benign (1). Last evaluated 2025-10-15.

Conditions:
Autosomal recessive limb-girdle muscular dystrophy type 2Q (LGMDR17). Also called: MUSCULAR DYSTROPHY, LIMB-GIRDLE, AUTOSOMAL RECESSIVE 17. Identifiers: Orphanet 254361, MedGen C3150989, MONDO:0013390, OMIM 613723.
Epidermolysis bullosa simplex 5B, with muscular dystrophy (EBS5B). Also called: Epidermolysis bullosa simplex with muscular dystrophy; EPIDERMOLYSIS BULLOSA SIMPLEX AND LIMB-GIRDLE MUSCULAR DYSTROPHY. Identifiers: Orphanet 257, MedGen C2931072, MONDO:0009181, OMIM 226670.
Epidermolysis bullosa simplex, Ogna type (EBS5A). Also called: EPIDERMOLYSIS BULLOSA SIMPLEX 5A, OGNA TYPE; Pidermolysis bullosa simplex 5A, Ogna type. Identifiers: Orphanet 79401, MedGen C0432317, MONDO:0007555, OMIM 131950.
Epidermolysis bullosa simplex 5C, with pyloric atresia (EBS5C). Also called: PLEC-Related Epidermolysis Bullosa with Pyloric Atresia; Epidermolysis bullosa simplex with pyloric atresia; PLEC1-Related Epidermolysis Bullosa with Pyloric Atresia. Identifiers: Orphanet 158684, MedGen C2677349, MONDO:0012807, OMIM 612138.
Epidermolysis bullosa simplex with nail dystrophy (EBS5D). Identifiers: MedGen C4225309, MONDO:0014661, OMIM 616487.

Allele frequency attached by ClinVar (database versions not stated): gnomAD 0.00003; TOPMed 0.00014; gnomAD exomes 0.00028; ExAC 0.00039.
gnomAD v4.1: 95 of 1,581,050 alleles (0.006%); highest among the groups gnomAD compares: Admixed American, 0.1%; no homozygotes.

Submissions (4):

Labcorp Genetics (formerly Invitae), Labcorp
Classification: Benign for Autosomal recessive limb-girdle muscular dystrophy type 2Q; Epidermolysis bullosa simplex, Ogna type; Epidermolysis bullosa simplex with nail dystrophy; Epidermolysis bullosa simplex 5C, with pyloric atresia; Epidermolysis bullosa simplex 5B, with muscular dystrophy. Last evaluated: 2025-10-15. Review status: criteria provided, single submitter. Criteria: Invitae Variant Classification Sherloc (09022015). Collection method: clinical testing. Allele origin: germline.

Athena Diagnostics
Classification: Benign. Last evaluated: 2025-02-06. Review status: criteria provided, single submitter. Criteria: Athena Diagnostics Criteria. Collection method: clinical testing. Allele origin: unknown.
Comment: The frequency of this variant in the general population is higher than would generally be expected for pathogenic variants in this gene. Computational tools yielded predictions that this variant is unlikely to have an effect on normal RNA splicing. This nucleotide position exhibits low evolutionary conservation.

Blueprint Genetics
Classification: Likely benign. Last evaluated: 2024-11-26. Review status: criteria provided, single submitter. Criteria: ACMG Guidelines, 2015. Collection method: clinical testing. Allele origin: germline.

Eurofins Ntd Llc (ga)
Classification: Uncertain significance. Last evaluated: 2018-08-10. Review status: criteria provided, single submitter. Criteria: EGL ClinVar v180209 classification definitions. Collection method: clinical testing. Allele origin: germline. Observed: 3 variant alleles, 3 heterozygotes.